The following is an entry in ClinVar:

ClinVar aggregate classification (germline): Pathogenic. Review status: reviewed by expert panel (3 of 4 stars). 11 submissions from 11 submitters: Pathogenic (1). 10 of the submissions do not count toward it. Last evaluated 2016-10-18.

Conditions:
Hereditary cancer-predisposing syndrome. Also called: Tumor predisposition; Neoplastic Syndromes, Hereditary; Hereditary neoplastic syndrome; Hereditary Cancer Syndrome. Identifiers: Orphanet 140162, MedGen C0027672, MeSH D009386, MONDO:0015356.
Breast-ovarian cancer, familial, susceptibility to, 2 (BROVCA2). Also called: BRCA2 Hereditary Breast and Ovarian Cancer. Identifiers: Orphanet 145, MedGen C2675520, MONDO:0012933, OMIM 612555. Disease mechanism: loss of function.
Familial cancer of breast. Also called: Hereditary breast cancer; hereditary breast carcinoma; BREAST CANCER, FAMILIAL. Identifiers: Orphanet 227535, MedGen C0346153, MONDO:0016419, OMIM 114480. Disease mechanism: loss of function.
Hereditary breast ovarian cancer syndrome. Also called: Hereditary breast and/or ovarian cancer syndrome; Hereditary breast and ovarian cancer syndrome (HBOC); Breast and ovarian cancer; Hereditary breast and ovarian cancer; BRCA1- and BRCA2-Associated Hereditary Breast and Ovarian Cancer; Hereditary breast and ovarian cancer syndrome. Identifiers: Orphanet 145, MedGen C0677776, MeSH D061325, MONDO:0003582. Disease mechanism: loss of function.

Submissions (11):

Evidence-based Network for the Interpretation of Germline Mutant Alleles (ENIGMA)
Classification: Pathogenic for Breast-ovarian cancer, familial, susceptibility to, 2. Last evaluated: 2016-10-18. Review status: reviewed by expert panel. Criteria: ENIGMA BRCA1/2 Classification Criteria (2015). Collection method: curation. Allele origin: germline.
Comment: Variant allele predicted to encode a truncated non-functional protein.

Labcorp Genetics (formerly Invitae), Labcorp
Classification: Pathogenic for Hereditary breast ovarian cancer syndrome. Last evaluated: 2025-11-23. Review status: criteria provided, single submitter. Criteria: Invitae Variant Classification Sherloc (09022015). Collection method: clinical testing. Allele origin: germline. Not counted in ClinVar's aggregate classification.
Comment: This sequence change creates a premature translational stop signal (p.Tyr2977Phefs*11) in the BRCA2 gene. It is expected to result in an absent or disrupted protein product. Loss-of-function variants in BRCA2 are known to be pathogenic (PMID: 20104584). This variant is not present in population databases (gnomAD no frequency). This premature translational stop signal has been observed in individual(s) with breast and/or ovarian cancer (PMID: 24010542, 25395318). This variant is also known as 9158delA and c.8929_8929delA. ClinVar contains an entry for this variant (Variation ID: 225755). For these reasons, this variant has been classified as Pathogenic.

GeneDx
Classification: Pathogenic. Last evaluated: 2024-06-03. Review status: criteria provided, single submitter. Criteria: GeneDx Variant Classification Process June 2021. Collection method: clinical testing. Allele origin: germline. Affected: yes. Not counted in ClinVar's aggregate classification.
Comment: Observed in individuals with a personal or family history consistent with pathogenic variants in this gene (PMID: 16912212, 25395318, 24010542); Frameshift variant predicted to result in protein truncation or nonsense mediated decay in a gene for which loss-of-function is a known mechanism of disease; Truncating variants in this gene are considered pathogenic by a well-established clinical consortium and/or database; Not observed at significant frequency in large population cohorts (gnomAD); Also known as BRCA2 9158delA and c.8929_8929delA; This variant is associated with the following publications: (PMID: 27882536, 16912212, 25395318, 24010542, 26300996, 28263838, 29310832)

Quest Diagnostics Nichols Institute San Juan Capistrano
Classification: Pathogenic. Last evaluated: 2023-06-29. Review status: criteria provided, single submitter. Criteria: Quest Diagnostics criteria. Collection method: clinical testing. Allele origin: unknown. Not counted in ClinVar's aggregate classification.
Comment: The BRCA2 c.8930del (p.Tyr2977Phefs*11) variant alters the translational reading frame of the BRCA2 mRNA and causes the premature termination of BRCA2 protein synthesis. This variant has been reported in the published literature in affected individuals with breast and/or ovarian cancer (PMIDs: 24010542 (2014), 25395318 (2014), and 27882536 (2016)). This variant has not been reported in large, multi-ethnic general populations (Genome Aggregation Database). Based on the available information, this variant is classified as pathogenic.

Ambry Genetics
Classification: Pathogenic for Hereditary cancer-predisposing syndrome. Last evaluated: 2023-02-28. Review status: criteria provided, single submitter. Criteria: Ambry Variant Classification Scheme 2023. Collection method: clinical testing. Allele origin: germline. Not counted in ClinVar's aggregate classification.
Comment: The c.8930delA pathogenic mutation, located in coding exon 21 of the BRCA2 gene, results from a deletion of one nucleotide at nucleotide position 8930, causing a translational frameshift with a predicted alternate stop codon (p.Y2977Ffs*11). This mutation has been detected in multiple families with breast and/or ovarian cancer (Konstantopoulou I et al. Clin. Genet., 2014 Jan;85:36-42; Coppa A et al. Breast Cancer Res. Treat., 2014 Dec;148:629-35; Loizidou MA et al. Clin. Genet., 2016 Oct). In addition, this mutation is also designated as c.8929_8929delA in published literature. This variant is considered to be rare based on population cohorts in the Genome Aggregation Database (gnomAD). In addition to the clinical data presented in the literature, this alteration is expected to result in loss of function by premature protein truncation or nonsense-mediated mRNA decay. As such, this alteration is interpreted as a disease-causing mutation.

GeneKor MSA
Classification: Pathogenic for Hereditary Breast Carcinoma. Last evaluated: 2020-01-01. Review status: criteria provided, single submitter. Criteria: ACMG Guidelines, 2015. Collection method: clinical testing. Allele origin: germline. Affected: yes. Not counted in ClinVar's aggregate classification.
Comment: This sequence change deletes one nucleotide base causing a frameshift and the creation of a premature translation stop signal 11 amino acid residues later. This is expected to result in an absent or disrupted protein product.

Women's Health and Genetics/Laboratory Corporation of America, LabCorp
Classification: Pathogenic for Hereditary breast ovarian cancer syndrome. Last evaluated: 2017-07-06. Review status: criteria provided, single submitter. Criteria: LabCorp Variant Classification Summary - May 2015. Collection method: clinical testing. Allele origin: germline. Not counted in ClinVar's aggregate classification.
Comment: Variant summary: The BRCA2 c.8930delA (p.Tyr2977Phefs) variant results in a premature termination codon, predicted to cause a truncated or absent BRCA2 protein due to nonsense mediated decay, which are commonly known mechanisms for disease. Truncations downstream of this position have been classified as pathogenic by our laboratory (e.g. c.8961_8964delGAGT, c.8970G>A, and c.8978C>G). One in silico tool predicts a damaging outcome for this variant. This variant is absent in 121434 control chromosomes and has been reported in multiple affected individuals via publications. In addition, multiple clinical diagnostic laboratories/reputable databases classified this variant as pathogenic. Taken together, this variant is classified pathogenic.

Molecular Genetics Laboratory, University of Michigan
Classification: Pathogenic for Breast-ovarian cancer, familial, susceptibility to, 2. Last evaluated: 2016-04-21. Review status: criteria provided, single submitter. Criteria: ACMG Guidelines, 2015. Collection method: clinical testing. Allele origin: germline. Affected: yes. Not counted in ClinVar's aggregate classification.

Consortium of Investigators of Modifiers of BRCA1/2 (CIMBA), c/o University of Cambridge
Classification: Pathogenic for Breast-ovarian cancer, familial, susceptibility to, 2. Last evaluated: 2015-10-02. Review status: criteria provided, single submitter. Criteria: CIMBA Mutation Classification guidelines May 2016. Collection method: clinical testing. Allele origin: germline. Not counted in ClinVar's aggregate classification.

Counsyl
Classification: Pathogenic for Breast-ovarian cancer, familial, susceptibility to, 2. Last evaluated: 2017-05-02. Review status: no assertion criteria provided. Collection method: clinical testing. Allele origin: unknown. Not counted in ClinVar's aggregate classification.

Research Molecular Genetics Laboratory, Women's College Hospital, University of Toronto
Classification: Pathogenic for Hereditary breast ovarian cancer syndrome. Last evaluated: 2014-01-31. Review status: no assertion criteria provided. Collection method: research. Allele origin: germline. Affected: yes. Study: The Canadian Open Genetics Repository (COGR). Not counted in ClinVar's aggregate classification.

Literature cited by the submitters: PubMed 20104584 (cited by Labcorp Genetics (formerly Invitae), Labcorp); PubMed 24010542 (cited by 5 submitters); PubMed 25395318 (cited by 5 submitters); PubMed 27882536 (cited by Quest Diagnostics Nichols Institute San Juan Capistrano and Ambry Genetics); PubMed 26295337 (cited by Quest Diagnostics Nichols Institute San Juan Capistrano); PubMed 16912212 (cited by Women's Health and Genetics/Laboratory Corporation of America, LabCorp and Counsyl).

NM_000059.4(BRCA2):c.8930del (p.Tyr2977fs)

Gene: BRCA2 (BRCA2 DNA repair associated; plus strand). Cytogenetic location: 13q13.1.
Variant type: Deletion.
Coding change: c.8930del on transcript NM_000059.4 (MANE Select); coding-DNA position 8930, one base deleted (A; older notation c.8930delA).
Protein change: p.Tyr2977fs; shifts the reading frame from tyrosine 2977.
Molecular consequence: frameshift variant.
Genome position (GRCh38, 1-based): chr13:32,379,492, A deleted. VCF-style (leftmost placement, unchanged base first): chr13-32379491-TA-T. GRCh37 (hg19) VCF-style: chr13-32953628-TA-T.
Other names: 9158delAStop2987; c.8930delA (NM_000059.3).
Identifiers: ClinVar variation 225755 (VCV000225755.25), dbSNP rs869320799, ClinGen allele CA10576075.